The following is an entry in ClinVar:

NM_006147.4(IRF6):c.827T>C (p.Phe276Ser)

Gene: IRF6 (interferon regulatory factor 6; minus strand). Cytogenetic location: 1q32.2.
Variant type: single nucleotide variant.
Coding change: c.827T>C on transcript NM_006147.4 (MANE Select); coding-DNA position 827, T replaced by C.
Protein change: p.Phe276Ser; replaces phenylalanine 276 with serine.
Molecular consequence: missense variant.
Genome position (GRCh38, 1-based): chr1:209,790,728, A>G on the plus strand (T>C on the coding strand, the complement: IRF6 is on the minus strand). VCF-style: chr1-209790728-A-G. GRCh37 (hg19) VCF-style: chr1-209964073-A-G.
Other names: c.542T>C, p.Phe181Ser (NM_001206696.2); short protein forms F181S, F276S.
Identifiers: ClinVar variation 3383146 (VCV003383146.2).
Genomic context (GRCh38, chr1:209,790,728, plus strand): 5'-TCCAGCAGCTTGCTAGTGAACAGCTTCTGCTTCTCATTGGTAATATGCTCAGGACCTGGG[A>G]ATTTGACCTGCTCCAGGCTGACGGGACCAAAGAGCTCCTCCTGGTCAGGCATGGGACCCA-3'
Protein context (NP_006138.1, residues 266-286): FGPVSLEQVK[Phe276Ser]PGPEHITNEK

ClinVar aggregate classification (germline): Likely pathogenic (1 of 4 stars; one submission).

Conditions:
Orofacial cleft 6, susceptibility to (OFC6). Also called: CLEFT LIP WITH OR WITHOUT CLEFT PALATE, NONSYNDROMIC, 6. Identifiers: MedGen C1837213, MONDO:0012141, OMIM 608864.
Van der Woude syndrome 1. Also called: CLEFT LIP AND/OR PALATE WITH MUCOUS CYSTS OF LOWER LIP; van der Woude Syndrome (VWS). Identifiers: MedGen C4551864, MONDO:0007333, OMIM 119300.
Autosomal dominant popliteal pterygium syndrome. Also called: CLEFT LIP/PALATE, PARAMEDIAN MUCOUS CYSTS OF THE LOWER LIP, POPLITEAL PTERYGIUM, DIGITAL AND GENITAL ANOMALIES; FACIOGENITOPOPLITEAL SYNDROME; Popliteal Pterygium Syndrome (PPS). Identifiers: Orphanet 1300, MedGen C5848052, MONDO:0007334, OMIM 119500.

Submission:

Juno Genomics, Hangzhou Juno Genomics, Inc
Classification: Likely pathogenic for Orofacial cleft 6, susceptibility to; Autosomal dominant popliteal pterygium syndrome; Van der Woude syndrome 1. Review status: criteria provided, single submitter. Criteria: ACMG Guidelines, 2015. Collection method: clinical testing. Allele origin: germline. Affected: yes.
Comment: Absent from controls (or at extremely low frequency if recessive) in Genome Aggregation Database, Exome Sequencing Project, 1000 Genomes Project, or Exome Aggregation Consortium.;Multiple lines of computational evidence support a deleterious effect on the gene or gene product (conservation, evolutionary, splicing impact, etc).;Patient's phenotype or family history is highly specific for a disease with a single genetic etiology.